The following is an entry in ClinVar:

ClinVar aggregate classification (germline): Likely benign (1 of 4 stars; one submission).

Conditions:
Familial colorectal cancer type X. Identifiers: Orphanet 440437, MedGen C3896578, MONDO:0018604.

gnomAD v4.1: 1 of 1,612,288 alleles (0.000062%); highest among the groups gnomAD compares: Middle Eastern, 0.016%; no homozygotes.

Submission:

Myriad Genetics, Inc.
Classification: Likely benign for Familial colorectal cancer type X. Last evaluated: 2026-07-31. Review status: criteria provided, single submitter. Criteria: Myriad Autosomal Dominant, Autosomal Recessive and X-Linked Classification Criteria (2023). Collection method: clinical testing. Allele origin: unknown.
Comment: This variant is considered likely benign. This variant is intronic and is not expected to impact mRNA splicing.

NM_001023.4(RPS20):c.104-13T>C

Gene: RPS20 (ribosomal protein S20; minus strand). Cytogenetic location: 8q12.1.
Variant type: single nucleotide variant.
Coding change: c.104-13T>C on transcript NM_001023.4 (MANE Select); 13 bases into the intron before coding-DNA position 104, T replaced by C.
Molecular consequence: intron variant.
Genome position (GRCh38, 1-based): chr8:56,073,781, A>G on the plus strand (T>C on the coding strand, the complement: RPS20 is on the minus strand). VCF-style: chr8-56073781-A-G. GRCh37 (hg19) VCF-style: chr8-56986340-A-G.
Other names: c.104-13T>C (NM_001146227.3).
Identifiers: ClinVar variation 5042348 (VCV005042348.1).
Genomic context (GRCh38, chr8:56,073,781, plus strand): 5'-TCACTTTGAGATTCTTTTCTTTTGCGCCTCTTATCAAGTCAGCACACACTACAGGAAATA[A>G]AAGACCTCTCAGTATAATCGAAACAATTAAAATCGGCTTAAGGCCTTCACTTCTGCTGGC-3'